The following is an entry in ClinVar:

NM_001127222.2(CACNA1A):c.1136T>G (p.Leu379Arg)

Gene: CACNA1A (calcium voltage-gated channel subunit alpha1 A; minus strand). Cytogenetic location: 19p13.13.
Variant type: single nucleotide variant.
Coding change: c.1136T>G on transcript NM_001127222.2 (MANE Select); coding-DNA position 1136, T replaced by G.
Protein change: p.Leu379Arg; replaces leucine 379 with arginine.
Molecular consequence: missense variant.
Genome position (GRCh38, 1-based): chr19:13,334,440, A>C on the plus strand (T>G on the coding strand, the complement: CACNA1A is on the minus strand). VCF-style: chr19-13334440-A-C. GRCh37 (hg19) VCF-style: chr19-13445254-A-C.
Other names: c.1136T>G, p.Leu379Arg (NM_000068.4, NM_001127221.2, NM_001174080.2 and 1 more transcripts); short protein forms L379R.
Identifiers: ClinVar variation 1706864 (VCV001706864.2), dbSNP rs2513049132, ClinGen allele CA404346530.

ClinVar aggregate classification (germline): Uncertain significance (1 of 4 stars; one submission).

Submission:

GeneDx
Classification: Uncertain significance. Last evaluated: 2022-03-25. Review status: criteria provided, single submitter. Criteria: GeneDx Variant Classification Process June 2021. Collection method: clinical testing. Allele origin: germline. Affected: yes.
Comment: Not observed at significant frequency in large population cohorts (gnomAD); In silico analysis supports that this missense variant has a deleterious effect on protein structure/function; Has not been previously published as pathogenic or benign to our knowledge